The following is an entry in ClinVar:

ClinVar aggregate classification (germline): Uncertain significance (1 of 4 stars; one submission).

Conditions:
Inborn genetic diseases. Identifiers: MedGen C0950123, MeSH D030342.

Submission:

Ambry Genetics
Classification: Uncertain significance for Inborn genetic diseases. Last evaluated: 2025-12-15. Review status: criteria provided, single submitter. Criteria: Ambry Variant Classification Scheme 2023. Collection method: clinical testing. Allele origin: germline.
Comment: The p.Q312L variant (also known as c.935A>T), located in coding exon 1 of the SAMD9 gene, results from an A to T substitution at nucleotide position 935. The glutamine at codon 312 is replaced by leucine, an amino acid with dissimilar properties. This amino acid position is conserved. In addition, this alteration is predicted to be tolerated by in silico analysis. Based on the available evidence, the clinical significance of this variant remains unclear.

NM_017654.4(SAMD9):c.935A>T (p.Gln312Leu)

Gene: SAMD9 (sterile alpha motif domain containing 9; minus strand). Cytogenetic location: 7q21.2.
Variant type: single nucleotide variant.
Coding change: c.935A>T on transcript NM_017654.4 (MANE Select); coding-DNA position 935, A replaced by T.
Protein change: p.Gln312Leu; replaces glutamine 312 with leucine.
Molecular consequence: missense variant.
Genome position (GRCh38, 1-based): chr7:93,105,163, T>A on the plus strand (A>T on the coding strand, the complement: SAMD9 is on the minus strand). VCF-style: chr7-93105163-T-A. GRCh37 (hg19) VCF-style: chr7-92734476-T-A.
Other names: c.935A>T, p.Gln312Leu (NM_001193307.2); short protein forms Q312L.
Identifiers: ClinVar variation 4843102 (VCV004843102.1).